The following is an entry in ClinVar:

ClinVar aggregate classification (germline): Uncertain significance. Review status: criteria provided, multiple submitters, no conflicts (2 of 4 stars). 2 submissions from 2 submitters: Uncertain significance (2). Last evaluated 2026-09-17.

Conditions:
Thrombomodulin-related bleeding disorder (THPH12). Also called: Thrombophilia due to thrombomodulin defect. Identifiers: Orphanet 436169, MedGen C3280976, MONDO:0013775, OMIM 614486.
Thrombus. Identifiers: MedGen C0087086, MeSH D013927.

Submissions (2):

Genomenon, Inc
Classification: Uncertain significance for Thrombomodulin-related bleeding disorder. Last evaluated: 2026-09-17. Review status: criteria provided, single submitter. Criteria: Genomenon Sequence Variant Interpretation Standards - Updated. Collection method: curation. Allele origin: germline. Affected: no.
Comment: THBD p.Leu433Pro (c.1298T>C) is a missense variant that changes the amino acid at codon 433 from leucine to proline. This variant has been reported in the published literature (PMID:40773180;40272857;39841007). It is absent or not present at a significant frequency in gnomAD. In silico models predict that this variant is possibly or probably damaging. In conclusion, we classify THBD p.Leu433Pro (c.1298T>C) as a variant of uncertain significance.

ISTH-SSC Genomics in Thrombosis and Hemostasis, KU Leuven, Center for Molecular and Vascular Biology
Classification: Uncertain significance for Thrombus. Review status: criteria provided, single submitter. Criteria: ACMG Guidelines, 2015. Collection method: clinical testing. Allele origin: germline. Affected: yes. Observed: 1 heterozygote.
Comment: Submitted to GoldVariant by Kathleen Freson, Center for Molecular and Vascular Biology, Leuven, Belgium

Literature cited by the submitters: PubMed 40773180 (cited by Genomenon, Inc); PubMed 40272857 (cited by Genomenon, Inc); PubMed 39841007 (cited by Genomenon, Inc).

NM_000361.3(THBD):c.1298T>C (p.Leu433Pro)

Gene: THBD (thrombomodulin; minus strand). Cytogenetic location: 20p11.21.
Variant type: single nucleotide variant.
Coding change: c.1298T>C on transcript NM_000361.3 (MANE Select); coding-DNA position 1298, T replaced by C.
Protein change: p.Leu433Pro; replaces leucine 433 with proline.
Molecular consequence: missense variant.
Genome position (GRCh38, 1-based): chr20:23,048,207, A>G on the plus strand (T>C on the coding strand, the complement: THBD is on the minus strand). VCF-style: chr20-23048207-A-G. GRCh37 (hg19) VCF-style: chr20-23028844-A-G.
Other names: short protein forms L433P.
Identifiers: ClinVar variation 1703804 (VCV001703804.2), dbSNP rs2515203379, ClinGen allele CA408405822.